The following is an entry in ClinVar:

NM_015488.5(PNKD):c.559C>T (p.Arg187Trp)

Genes: CATIP-AS2 (CATIP antisense RNA 2; minus strand), PNKD (PNKD metallo-beta-lactamase domain containing; plus strand). Cytogenetic location: 2q35.
Variant type: single nucleotide variant.
Coding change: c.559C>T on transcript NM_015488.5 (MANE Select); coding-DNA position 559, C replaced by T.
Protein change: p.Arg187Trp; replaces arginine 187 with tryptophan.
Molecular consequence: missense variant.
Genome position (GRCh38, 1-based): chr2:218,341,568, C>T. VCF-style: chr2-218341568-C-T. GRCh37 (hg19) VCF-style: chr2-219206291-C-T.
Other names: c.487C>T, p.Arg163Trp (NM_022572.5); short protein forms R187W, R163W.
Identifiers: ClinVar variation 468634 (VCV000468634.14), dbSNP rs375550686, ClinGen allele CA2104007.
Genomic context (GRCh38, chr2:218,341,568, plus strand): 5'-CCCTGCCTGTCTCTGCTGTCCTGCAGGGACCACAGTGGAGGGAACCGTGACCTCAGCCGG[C>T]GGCACCGGGACTGTCGGGTGTACGGGAGCCCTCAGGACGGCATCCCCTACCTCACCCAGT-3'
Protein context (NP_056303.3, residues 177-197): HSGGNRDLSR[Arg187Trp]HRDCRVYGSP

ClinVar aggregate classification (germline): Conflicting classifications of pathogenicity. Review status: criteria provided, conflicting classifications (1 of 4 stars). 2 submissions from 2 submitters: Uncertain significance (1); Benign (1). Last evaluated 2025-10-26.

Conditions:
Paroxysmal nonkinesigenic dyskinesia 1 (PNKD1). Also called: MOUNT-REBACK SYNDROME; Nonkinesigenic choreoathetosis; Familial paroxysmal choreoathetosis; Familial Paroxysmal Nonkinesigenic Dyskinesia; PAROXYSMAL DYSTONIC CHOREOATHETOSIS; PxMD-PNKD. Identifiers: Orphanet 98810, MedGen C4551506, MONDO:0700089, OMIM 118800, MONDO:0007326.
Paroxysmal nonkinesigenic dyskinesia. Also called: Paroxysmal non-kinesigenic dyskinesia. Identifiers: Orphanet 98810, MedGen C1869117, MONDO:0700088.

Allele frequency attached by ClinVar (database versions not stated): gnomAD exomes 0.00003; ExAC 0.00004; gnomAD 0.00005; TOPMed 0.00006; ESP Exome Variant Server 0.00008; 1000 Genomes Project 30x 0.00016; 1000 Genomes Project 0.00020.
gnomAD v4.1: 49 of 1,602,600 alleles (0.0031%); highest among the groups gnomAD compares: Middle Eastern, 0.052%; no homozygotes.

Submissions (2):

Labcorp Genetics (formerly Invitae), Labcorp
Classification: Uncertain significance for Paroxysmal nonkinesigenic dyskinesia. Last evaluated: 2025-10-26. Review status: criteria provided, single submitter. Criteria: Invitae Variant Classification Sherloc (09022015). Collection method: clinical testing. Allele origin: germline.
Comment: This sequence change replaces arginine, which is basic and polar, with tryptophan, which is neutral and slightly polar, at codon 187 of the PNKD protein (p.Arg187Trp). The frequency data for this variant in the population databases is considered unreliable, as metrics indicate poor data quality at this position in the gnomAD database. This variant has not been reported in the literature in individuals affected with PNKD-related conditions. ClinVar contains an entry for this variant (Variation ID: 468634). Invitae Evidence Modeling of protein sequence and biophysical properties (such as structural, functional, and spatial information, amino acid conservation, physicochemical variation, residue mobility, and thermodynamic stability) indicates that this missense variant is not expected to disrupt PNKD protein function with a negative predictive value of 80%. In summary, the available evidence is currently insufficient to determine the role of this variant in disease. Therefore, it has been classified as a Variant of Uncertain Significance.

Illumina Laboratory Services, Illumina
Classification: Benign for Paroxysmal nonkinesigenic dyskinesia 1. Last evaluated: 2018-01-13. Review status: criteria provided, single submitter. Criteria: ICSL Variant Classification Criteria 13 December 2019. Collection method: clinical testing. Allele origin: germline.
Comment: This variant was observed in the ICSL laboratory as part of a predisposition screen in an ostensibly healthy population. It had not been previously curated by ICSL or reported in the Human Gene Mutation Database (HGMD: prior to June 1st, 2018), and was therefore a candidate for classification through an automated scoring system. Utilizing variant allele frequency, disease prevalence and penetrance estimates, and inheritance mode, an automated score was calculated to assess if this variant is too frequent to cause the disease. Based on the score and internal cut-off values, a variant classified as benign is not then subjected to further curation. The score for this variant resulted in a classification of benign for this disease.